The following is an entry in ClinVar:

NM_000836.4(GRIN2D):c.425T>G (p.Val142Gly)

Genes: GRIN2D (glutamate ionotropic receptor NMDA type subunit 2D; plus strand), LOC130064856 (ATAC-STARR-seq lymphoblastoid silent region 10880; plus strand). Cytogenetic location: 19q13.33.
Variant type: single nucleotide variant.
Coding change: c.425T>G on transcript NM_000836.4 (MANE Select); coding-DNA position 425, T replaced by G.
Protein change: p.Val142Gly; replaces valine 142 with glycine.
Molecular consequence: missense variant.
Genome position (GRCh38, 1-based): chr19:48,398,817, T>G. VCF-style: chr19-48398817-T-G. GRCh37 (hg19) VCF-style: chr19-48902074-T-G.
Other names: short protein forms V142G.
Identifiers: ClinVar variation 4083171 (VCV004083171.1).

ClinVar aggregate classification (germline): Uncertain significance (1 of 4 stars; one submission).

Submission:

GeneDx
Classification: Uncertain significance. Last evaluated: 2025-03-13. Review status: criteria provided, single submitter. Criteria: GeneDx Variant Classification Process June 2021. Collection method: clinical testing. Allele origin: germline. Affected: yes.
Comment: Not observed at significant frequency in large population cohorts (gnomAD); In silico analysis supports that this missense variant has a deleterious effect on protein structure/function; Has not been previously published as pathogenic or benign to our knowledge